The following is an entry in ClinVar:

ClinVar aggregate classification (germline): Uncertain significance (1 of 4 stars; one submission).

Submission:

Women's Health and Genetics/Laboratory Corporation of America, LabCorp
Classification: Uncertain significance. Last evaluated: 2024-04-05. Review status: criteria provided, single submitter. Criteria: LabCorp Variant Classification Summary - May 2015. Collection method: clinical testing. Allele origin: germline.
Comment: Variant summary: CBS c.374G>C (p.Arg125Pro) results in a non-conservative amino acid change located in the Tryptophan synthase beta chain-like, PALP domain (IPR001926) of the encoded protein sequence. Five of five in-silico tools predict a damaging effect of the variant on protein function. The variant was absent in 251098 control chromosomes. c.374G>C has been reported in the literature in at least one compound heterozygous individual affected with Homocystinuria (e.g. Castro_2001). These data do not allow any conclusion about variant significance. To our knowledge, no experimental evidence demonstrating an impact on protein function has been reported. A different variant located at the same codon (c.374G>A, p.Arg125Gln) has been classified as pathogenic by our lab, supporting a critical relevance of this residue to CBS protein function. The following publication has been ascertained in the context of this evaluation (PMID: 11553052). No submitters have cited clinical-significance assessments for this variant to ClinVar. Based on the evidence outlined above, the variant was classified as VUS-possibly pathogenic.

Literature cited by the submitters: PubMed 11553052.

NM_000071.3(CBS):c.374G>C (p.Arg125Pro)

Gene: CBS (cystathionine beta-synthase; minus strand). Cytogenetic location: 21q22.3.
Variant type: single nucleotide variant.
Coding change: c.374G>C on transcript NM_000071.3 (MANE Select); coding-DNA position 374, G replaced by C.
Protein change: p.Arg125Pro; replaces arginine 125 with proline.
Molecular consequence: missense variant.
Genome position (GRCh38, 1-based): chr21:43,066,320, C>G on the plus strand (G>C on the coding strand, the complement: CBS is on the minus strand). VCF-style: chr21-43066320-C-G. GRCh37 (hg19) VCF-style: chr21-44486430-C-G.
Other names: c.374G>C, p.Arg125Pro (NM_001178008.3, NM_001178009.3, NM_001320298.2); c.59G>C, p.Arg20Pro (NM_001321072.1); short protein forms R125P, R20P.
Identifiers: ClinVar variation 3251498 (VCV003251498.1), dbSNP rs781444670.
Genomic context (GRCh38, chr21:43,066,320, plus strand): 5'-GGCTCGATAATCGTGTCCCCGGGCTTCAGCGTCCCGTCGCGCTCAGCATCCTCAATCATC[C>G]GCAGGCTGATGCGGTCCTTCACGCTCCCGCCCGCGTTGAAGAACTCACACTTGGCCACTG-3'
Protein context (NP_000062.1, residues 115-135): GGSVKDRISL[Arg125Pro]MIEDAERDGT